The following is an entry in ClinVar:

NM_030665.4(RAI1):c.1767G>T (p.Ala589=)

Gene: RAI1 (retinoic acid induced 1; plus strand). Cytogenetic location: 17p11.2.
Variant type: single nucleotide variant.
Coding change: c.1767G>T on transcript NM_030665.4 (MANE Select); coding-DNA position 1767, G replaced by T.
Protein change: p.Ala589=; no amino-acid change (alanine 589 retained).
Molecular consequence: synonymous variant.
Genome position (GRCh38, 1-based): chr17:17,794,715, G>T. VCF-style: chr17-17794715-G-T. GRCh37 (hg19) VCF-style: chr17-17698029-G-T.
Identifiers: ClinVar variation 3239316 (VCV003239316.19), dbSNP rs770666609.
Genomic context (GRCh38, chr17:17,794,715, plus strand): 5'-CGACTCCTTCCAGAGCCTACACGGCAGTCTGCCGCTCGACAGCTTCTCCAAGTTCGTGGC[G>T]GGTGAGCGGGACTGTCCGCGGCTGCTGCTCAGCGCCCTGGCACAGGAGGACCTGGCCTCC-3'
Protein context (NP_109590.3, residues 579-599): LPLDSFSKFV[Ala589=]GERDCPRLLL

ClinVar aggregate classification (germline): Likely benign (1 of 4 stars; one submission).

gnomAD v4.1: 3 of 1,611,588 alleles (0.00019%); highest among the groups gnomAD compares: Non-Finnish European, 0.00025%; no homozygotes.

Submission:

CeGaT Center for Human Genetics Tuebingen
Classification: Likely benign. Last evaluated: 2024-05-01. Review status: criteria provided, single submitter. Criteria: CeGaT Center For Human Genetics Tuebingen Variant Classification Criteria Version 2. Collection method: clinical testing. Allele origin: germline. Affected: yes. Observed: 1 variant allele.
Comment: RAI1: PM2:Supporting, BP4, BP7